The following is an entry in ClinVar:

NM_006767.4(LZTR1):c.1175C>T (p.Ala392Val)

Gene: LZTR1 (leucine zipper like post translational regulator 1; plus strand). Cytogenetic location: 22q11.21.
Variant type: single nucleotide variant.
Coding change: c.1175C>T on transcript NM_006767.4 (MANE Select); coding-DNA position 1175, C replaced by T.
Protein change: p.Ala392Val; replaces alanine 392 with valine.
Molecular consequence: missense variant.
Genome position (GRCh38, 1-based): chr22:20,992,819, C>T. VCF-style: chr22-20992819-C-T. GRCh37 (hg19) VCF-style: chr22-21347108-C-T.
Other names: short protein forms A392V.
Identifiers: ClinVar variation 961729 (VCV000961729.20), dbSNP rs767354230, ClinGen allele CA10118755.
Genomic context (GRCh38, chr22:20,992,819, plus strand): 5'-CCCCCACCATTCCACCCTGCCTTCTTGTCCCCCAGCTGCCCAGTGGGAGGCTCTTCCACG[C>T]GGCTGCTGTCATCTCGGACGCCATGTACATCTTCGGGGGCACGGTGGACAACAACATCCG-3'
Protein context (NP_006758.2, residues 382-402): SELPSGRLFH[Ala392Val]AAVISDAMYI

ClinVar aggregate classification (germline): Uncertain significance. Review status: criteria provided, multiple submitters, no conflicts (2 of 4 stars). 7 submissions from 7 submitters: Uncertain significance (7). Last evaluated 2026-01-19.

Conditions:
Cardiovascular phenotype. Identifiers: MedGen CN230736.
Hereditary cancer-predisposing syndrome. Also called: Tumor predisposition; Hereditary neoplastic syndrome; Neoplastic Syndromes, Hereditary; Hereditary Cancer Syndrome. Identifiers: Orphanet 140162, MedGen C0027672, MeSH D009386, MONDO:0015356.
Intellectual disability. Also called: intellectual disabilities; Intellectual developmental disorder; Intellectual functioning disability. Identifiers: MedGen C3714756, MeSH D008607, MONDO:0001071, HP:0001249.
LZTR1-related schwannomatosis. Also called: Schwannomatosis 2; Schwannomatosis-2, susceptibility to. Identifiers: Orphanet 93921, MedGen C3810283, MONDO:0014299, OMIM 615670.

Allele frequency attached by ClinVar (database versions not stated): TOPMed 0.00001; gnomAD 0.00002 and 0.00001; gnomAD exomes 0.00001; ExAC below 0.00001.
gnomAD v4.1: 15 of 1,604,808 alleles (0.00093%); highest among the groups gnomAD compares: Admixed American, 0.0017%; no homozygotes.

Submissions (7):

Labcorp Genetics (formerly Invitae), Labcorp
Classification: Uncertain significance. Last evaluated: 2026-01-19. Review status: criteria provided, single submitter. Criteria: Invitae Variant Classification Sherloc (09022015). Collection method: clinical testing. Allele origin: germline.
Comment: This sequence change replaces alanine, which is neutral and non-polar, with valine, which is neutral and non-polar, at codon 392 of the LZTR1 protein (p.Ala392Val). This variant is not present in population databases (gnomAD no frequency). This missense change has been observed in individual(s) with clinical features of schwannomatosis (PMID: 25480913, 35638454). ClinVar contains an entry for this variant (Variation ID: 961729). Invitae Evidence Modeling of protein sequence and biophysical properties (such as structural, functional, and spatial information, amino acid conservation, physicochemical variation, residue mobility, and thermodynamic stability) indicates that this missense variant is not expected to disrupt LZTR1 protein function with a negative predictive value of 80%. In summary, the available evidence is currently insufficient to determine the role of this variant in disease. Therefore, it has been classified as a Variant of Uncertain Significance.

Ambry Genetics
Classification: Uncertain significance for Cardiovascular phenotype; Hereditary cancer-predisposing syndrome. Last evaluated: 2025-12-10. Review status: criteria provided, single submitter. Criteria: Ambry Variant Classification Scheme 2023. Collection method: clinical testing. Allele origin: germline.
Comment: The p.A392V variant (also known as c.1175C>T), located in coding exon 11 of the LZTR1 gene, results from a C to T substitution at nucleotide position 1175. The alanine at codon 392 is replaced by valine, an amino acid with similar properties. This variant was reported in individual(s) with features consistent with LZTR1-related schwannomatosis (Smith MJ et al. Neurology, 2015 Jan;84:141-7). This amino acid position is highly conserved in available vertebrate species. In addition, the in silico prediction for this alteration is inconclusive. Based on the available evidence, the clinical significance of this variant remains unclear.

Baylor Genetics
Classification: Uncertain significance for LZTR1-related schwannomatosis. Last evaluated: 2024-03-11. Review status: criteria provided, single submitter. Criteria: ACMG Guidelines, 2015. Collection method: clinical testing. Allele origin: unknown.

GeneDx
Classification: Uncertain significance. Last evaluated: 2023-11-29. Review status: criteria provided, single submitter. Criteria: GeneDx Variant Classification Process June 2021. Collection method: clinical testing. Allele origin: germline. Affected: yes.
Comment: In silico analysis, which includes protein predictors and evolutionary conservation, supports a deleterious effect; No data available from control populations to assess the frequency of this variant; This variant is associated with the following publications: (PMID: 25480913, 35638454)

Clinical Genetics Laboratory, Skane University Hospital Lund
Classification: Uncertain significance. Last evaluated: 2023-07-11. Review status: criteria provided, single submitter. Criteria: ACMG Guidelines, 2015. Collection method: clinical testing. Allele origin: germline. Affected: yes.

Women's Health and Genetics/Laboratory Corporation of America, LabCorp
Classification: Uncertain significance. Last evaluated: 2021-10-03. Review status: criteria provided, single submitter. Criteria: LabCorp Variant Classification Summary - May 2015. Collection method: clinical testing. Allele origin: germline.
Comment: Variant summary: LZTR1 c.1175C>T (p.Ala392Val) results in a non-conservative amino acid change in the encoded protein sequence. Four of five in-silico tools predict a damaging effect of the variant on protein function. The variant was absent in 234192 control chromosomes. The available data on variant occurrences in the general population are insufficient to allow any conclusion about variant significance. c.1175C>T has been reported in the literature in at-least one individual affected with Schwannomatosis (example, Smith_2015) and has been subsequently cited by others (example, Umeki_2019, Motta_2019). These report(s) do not provide unequivocal conclusions about association of the variant with Noonan Syndrome. To our knowledge, no experimental evidence demonstrating an impact on protein function has been reported. One clinical diagnostic laboratory has submitted clinical-significance assessments for this variant to ClinVar after 2014 without evidence for independent evaluation and classified the variant as uncertain significance. Based on the evidence outlined above, the variant was classified as uncertain significance.

Cambridge Genomics Laboratory, East Genomic Laboratory Hub, NHS Genomic Medicine Service
Classification: Uncertain significance for Intellectual disability. Last evaluated: 2019-11-12. Review status: criteria provided, single submitter. Criteria: ACGS Best Practice Guidelines for Variant Classification in Rare Disease 2020. Collection method: clinical testing. Allele origin: germline. Affected: yes. Observed: 1 variant allele.

Literature cited by the submitters: PubMed 25480913 (cited by 3 submitters); PubMed 35638454 (cited by Labcorp Genetics (formerly Invitae), Labcorp); PubMed 30481304 (cited by Women's Health and Genetics/Laboratory Corporation of America, LabCorp); PubMed 30368668 (cited by Women's Health and Genetics/Laboratory Corporation of America, LabCorp).